The following is an entry in ClinVar:

NM_001009944.3(PKD1):c.10051-3C>G

Gene: PKD1 (polycystin 1, transient receptor potential channel interacting; minus strand). Cytogenetic location: 16p13.3.
Variant type: single nucleotide variant.
Coding change: c.10051-3C>G on transcript NM_001009944.3 (MANE Select); 3 bases into the intron before coding-DNA position 10051, C replaced by G.
Molecular consequence: intron variant.
Genome position (GRCh38, 1-based): chr16:2,097,987, G>C on the plus strand (C>G on the coding strand, the complement: PKD1 is on the minus strand). VCF-style: chr16-2097987-G-C. GRCh37 (hg19) VCF-style: chr16-2147988-G-C.
Other names: c.10051-3C>G (NM_000296.4).
Identifiers: ClinVar variation 1712553 (VCV001712553.3), dbSNP rs980155038, ClinGen allele CA2580090944.

ClinVar aggregate classification (germline): Uncertain significance. Review status: criteria provided, multiple submitters, no conflicts (2 of 4 stars). 2 submissions from 2 submitters: Uncertain significance (2). Last evaluated 2024-04-11.

Conditions:
Polycystic kidney disease, adult type (PKD1). Also called: Polycystic Kidney, Autosomal Dominant; Polycystic Kidney Disease 1, Autosomal Dominant; Polycystic kidney disease 1; Polycystic kidney disease 1, severe; POLYCYSTIC KIDNEY DISEASE 1 WITH OR WITHOUT POLYCYSTIC LIVER DISEASE; POLYCYSTIC KIDNEY DISEASE, ADULT, TYPE I. Identifiers: MedGen C3149841, MONDO:0008263, OMIM 173900.

Submissions (2):

Fulgent Genetics
Classification: Uncertain significance for Polycystic kidney disease, adult type. Last evaluated: 2024-04-11. Review status: criteria provided, single submitter. Criteria: ACMG Guidelines, 2015. Collection method: clinical testing. Allele origin: germline.

GeneDx
Classification: Uncertain significance. Last evaluated: 2022-04-29. Review status: criteria provided, single submitter. Criteria: GeneDx Variant Classification Process June 2021. Collection method: clinical testing. Allele origin: germline. Affected: yes.
Comment: Not observed at significant frequency in large population cohorts (gnomAD); In silico analysis supports a deleterious effect on splicing; Has not been previously published as pathogenic or benign to our knowledge